The following is an entry in ClinVar:

NM_017617.5(NOTCH1):c.2068G>A (p.Gly690Arg)

Gene: NOTCH1 (notch receptor 1; minus strand). Cytogenetic location: 9q34.3.
Variant type: single nucleotide variant.
Coding change: c.2068G>A on transcript NM_017617.5 (MANE Select); coding-DNA position 2068, G replaced by A.
Protein change: p.Gly690Arg; replaces glycine 690 with arginine.
Molecular consequence: missense variant.
Genome position (GRCh38, 1-based): chr9:136,514,649, C>T on the plus strand (G>A on the coding strand, the complement: NOTCH1 is on the minus strand). VCF-style: chr9-136514649-C-T. GRCh37 (hg19) VCF-style: chr9-139409101-C-T.
Other names: c.2068G>A, p.Gly690Arg (LRG_1122t1); short protein forms G690R.
Identifiers: ClinVar variation 263986 (VCV000263986.8), dbSNP rs764112977, ClinGen allele CA5341494.

ClinVar aggregate classification (germline): Uncertain significance. Review status: criteria provided, multiple submitters, no conflicts (2 of 4 stars). 4 submissions from 3 submitters: Uncertain significance (4). Last evaluated 2022-03-15.

Conditions:
Adams-Oliver syndrome 5 (AOS5). Identifiers: Orphanet 974, MedGen C4014970, MONDO:0014459, OMIM 616028.
Familial thoracic aortic aneurysm and aortic dissection (TAAD). Also called: Thoracic aortic aneurysms and dissections. Identifiers: Orphanet 91387, MedGen C4707243, MONDO:0019625.
Aortic valve disease 1 (AOVD1). Identifiers: MedGen C3887892, MONDO:0024523, OMIM 109730.

Allele frequency attached by ClinVar (database versions not stated): ExAC 0.00001; gnomAD exomes 0.00001 and 0.00002; TOPMed 0.00001.

Submissions (4):

Genome-Nilou Lab
Classification: Uncertain significance for Adams-Oliver syndrome 5. Last evaluated: 2022-03-15. Review status: criteria provided, single submitter. Criteria: ACMG Guidelines, 2015. Collection method: clinical testing. Allele origin: germline. Affected: no.

Genome-Nilou Lab
Classification: Uncertain significance for Aortic valve disease 1. Last evaluated: 2022-03-15. Review status: criteria provided, single submitter. Criteria: ACMG Guidelines, 2015. Collection method: clinical testing. Allele origin: germline. Affected: no.

Ambry Genetics
Classification: Uncertain significance for Familial thoracic aortic aneurysm and aortic dissection. Last evaluated: 2021-06-30. Review status: criteria provided, single submitter. Criteria: Ambry Variant Classification Scheme 2023. Collection method: clinical testing. Allele origin: germline.
Comment: The p.G690R variant (also known as c.2068G>A), located in coding exon 13 of the NOTCH1 gene, results from a G to A substitution at nucleotide position 2068. The glycine at codon 690 is replaced by arginine, an amino acid with dissimilar properties. This amino acid position is highly conserved in available vertebrate species. In addition, this alteration is predicted to be deleterious by in silico analysis. Since supporting evidence is limited at this time, the clinical significance of this alteration remains unclear.

Blueprint Genetics
Classification: Uncertain significance. Last evaluated: 2017-12-13. Review status: criteria provided, single submitter. Criteria: ACMG Guidelines, 2015. Collection method: clinical testing. Allele origin: germline.